The following is an entry in ClinVar:

ClinVar aggregate classification (germline): Likely pathogenic (1 of 4 stars; one submission).

Conditions:
Autosomal dominant HOXD13-related disorders.

Submission:

Variantyx, Inc.
Classification: Likely pathogenic for Autosomal dominant HOXD13-related disorders. Last evaluated: 2025-05-30. Review status: criteria provided, single submitter. Criteria: Variantyx Assertion Criteria 2022. Collection method: clinical testing. Allele origin: germline. Inheritance: Autosomal dominant inheritance. Affected: yes.
Comment: This is a nonsense variant in the HOXD13 gene (OMIM: 142989). Pathogenic variants in this gene have been associated with autosomal dominant HOXD13-related disorders. This variant introduces a premature termination codon in exon 1 out of 2 and is expected to result in loss of function, which is a known disease mechanism for HOXD13 in this disorder (PMID: 18399101, 21782042, 21814222, 27254532) (PVS1). This variant has not been reported in individuals with HOXD13-related disorders in the databases available for review, and it is absent from control populations (PM2). Inheritance from unaffected or mildly affected parents and inter- and intrafamilial clinical variability have been reported in the HOXD13 gene, consistent with incomplete penetrance and variable expressivity (PMID: 17236141, 21814222). Based on the current evidence, this variant is classified as likely pathogenic for autosomal dominant HOXD13-related disorders.

Literature cited by the submitters: PubMed 18399101; PubMed 21782042; PubMed 21814222; PubMed 27254532.

NM_000523.4(HOXD13):c.387C>A (p.Tyr129Ter)

Gene: HOXD13 (homeobox D13; plus strand). Cytogenetic location: 2q31.1.
Variant type: single nucleotide variant.
Coding change: c.387C>A on transcript NM_000523.4 (MANE Select); coding-DNA position 387, C replaced by A.
Protein change: p.Tyr129Ter; replaces tyrosine 129 with a stop codon.
Molecular consequence: nonsense.
Genome position (GRCh38, 1-based): chr2:176,093,277, C>A. VCF-style: chr2-176093277-C-A. GRCh37 (hg19) VCF-style: chr2-176958005-C-A.
Other names: short protein forms Y129*.
Identifiers: ClinVar variation 4852174 (VCV004852174.1).